The following is an entry in ClinVar:

NM_013275.6(ANKRD11):c.2784A>C (p.Lys928Asn)

Gene: ANKRD11 (ankyrin repeat domain 11; minus strand). Cytogenetic location: 16q24.3.
Variant type: single nucleotide variant.
Coding change: c.2784A>C on transcript NM_013275.6 (MANE Select); coding-DNA position 2784, A replaced by C.
Protein change: p.Lys928Asn; replaces lysine 928 with asparagine.
Molecular consequence: missense variant.
Genome position (GRCh38, 1-based): chr16:89,283,758, T>G on the plus strand (A>C on the coding strand, the complement: ANKRD11 is on the minus strand). VCF-style: chr16-89283758-T-G. GRCh37 (hg19) VCF-style: chr16-89350166-T-G.
Other names: c.2784A>C, p.Lys928Asn (NM_001256182.2, NM_001256183.2); short protein forms K928N.
Identifiers: ClinVar variation 5017788 (VCV005017788.1).

ClinVar aggregate classification (germline): Uncertain significance (1 of 4 stars; one submission).

gnomAD v4.1: 1 of 1,613,494 alleles (0.000062%); highest among the groups gnomAD compares: Non-Finnish European, 0.000085%; no homozygotes.

Submission:

GeneDx
Classification: Uncertain significance. Last evaluated: 2026-03-30. Review status: criteria provided, single submitter. Criteria: GeneDx Variant Classification Process June 2021. Collection method: clinical testing. Allele origin: germline.
Comment: Not observed at significant frequency in large population cohorts (gnomAD); In silico analysis suggests that this missense variant does not alter protein structure/function; Has not been previously published as pathogenic or benign to our knowledge